The following is an entry in ClinVar:

NM_000203.5(IDUA):c.773A>G (p.Tyr258Cys)

Gene: IDUA (alpha-L-iduronidase; plus strand). Cytogenetic location: 4p16.3.
Variant type: single nucleotide variant.
Coding change: c.773A>G on transcript NM_000203.5 (MANE Select); coding-DNA position 773, A replaced by G.
Protein change: p.Tyr258Cys; replaces tyrosine 258 with cysteine.
Molecular consequence: missense variant. On other transcripts: non-coding transcript variant (1).
Genome position (GRCh38, 1-based): chr4:1,001,862, A>G. VCF-style: chr4-1001862-A-G. GRCh37 (hg19) VCF-style: chr4-995650-A-G.
Other names: c.377A>G, p.Tyr126Cys (NM_001363576.1); short protein forms Y126C, Y258C.
Identifiers: ClinVar variation 2432724 (VCV002432724.4), dbSNP rs1230294335, ClinGen allele CA355962238.

ClinVar aggregate classification (germline): Uncertain significance. Review status: criteria provided, multiple submitters, no conflicts (2 of 4 stars). 2 submissions from 2 submitters: Uncertain significance (2). Last evaluated 2025-10-15.

Conditions:
Mucopolysaccharidosis type 1. Also called: IDUA deficiency; MPS I; Mucopolysaccharidosis Type I. Identifiers: Orphanet 579, MedGen C0023786, MONDO:0001586.

Allele frequency attached by ClinVar (database versions not stated): gnomAD exomes below 0.00001.
gnomAD v4.1: 1 of 1,592,142 alleles (0.000063%); highest among the groups gnomAD compares: Non-Finnish European, 0.000085%; no homozygotes.

Submissions (2):

Labcorp Genetics (formerly Invitae), Labcorp
Classification: Uncertain significance for Mucopolysaccharidosis type 1. Last evaluated: 2025-10-15. Review status: criteria provided, single submitter. Criteria: Invitae Variant Classification Sherloc (09022015). Collection method: clinical testing. Allele origin: germline.
Comment: This sequence change replaces tyrosine, which is neutral and polar, with cysteine, which is neutral and slightly polar, at codon 258 of the IDUA protein (p.Tyr258Cys). The frequency data for this variant in the population databases is considered unreliable, as metrics indicate poor data quality at this position in the gnomAD database. This variant has not been reported in the literature in individuals affected with IDUA-related conditions. ClinVar contains an entry for this variant (Variation ID: 2432724). Invitae Evidence Modeling of protein sequence and biophysical properties (such as structural, functional, and spatial information, amino acid conservation, physicochemical variation, residue mobility, and thermodynamic stability) indicates that this missense variant is expected to disrupt IDUA protein function with a positive predictive value of 95%. In summary, the available evidence is currently insufficient to determine the role of this variant in disease. Therefore, it has been classified as a Variant of Uncertain Significance.

Revvity Omics, Revvity
Classification: Uncertain significance. Last evaluated: 2023-06-27. Review status: criteria provided, single submitter. Criteria: ACMG Guidelines, 2015. Collection method: clinical testing. Allele origin: germline.